The following is an entry in ClinVar:

NM_000334.4(SCN4A):c.459G>A (p.Pro153=)

Gene: SCN4A (sodium voltage-gated channel alpha subunit 4; minus strand). Cytogenetic location: 17q23.3.
Variant type: single nucleotide variant.
Coding change: c.459G>A on transcript NM_000334.4 (MANE Select); coding-DNA position 459, G replaced by A.
Protein change: p.Pro153=; no amino-acid change (proline 153 retained).
Molecular consequence: synonymous variant.
Genome position (GRCh38, 1-based): chr17:63,972,159, C>T on the plus strand (G>A on the coding strand, the complement: SCN4A is on the minus strand). VCF-style: chr17-63972159-C-T. GRCh37 (hg19) VCF-style: chr17-62049519-C-T.
Identifiers: ClinVar variation 703462 (VCV000703462.18), dbSNP rs201227173, ClinGen allele CA8710157.

ClinVar aggregate classification (germline): Likely benign. Review status: criteria provided, single submitter (1 of 4 stars). 2 submissions from 2 submitters: Likely benign (1). 1 of the submissions does not count toward it. Last evaluated 2025-09-02.

Conditions:
SCN4A-related disorder. Also called: SCN4A-related disorders.
Hyperkalemic periodic paralysis. Also called: Gamstorp disease; Familial hyperkalemic periodic paralysis. Identifiers: Orphanet 682, MedGen C0238357, MONDO:0008224, OMIM 170500, HP:0007215.

Allele frequency attached by ClinVar (database versions not stated): gnomAD exomes 0.00003; TOPMed 0.00004; gnomAD 0.00005 and 0.00006; ExAC 0.00006; 1000 Genomes Project 0.00040; 1000 Genomes Project 30x 0.00047.
gnomAD v4.1: 41 of 1,613,074 alleles (0.0025%); highest among the groups gnomAD compares: African/African-American, 0.004%; no homozygotes.

Submissions (2):

Labcorp Genetics (formerly Invitae), Labcorp
Classification: Likely benign for Hyperkalemic periodic paralysis. Last evaluated: 2025-09-02. Review status: criteria provided, single submitter. Criteria: Invitae Variant Classification Sherloc (09022015). Collection method: clinical testing. Allele origin: germline.

PreventionGenetics, part of Exact Sciences
Classification: Likely benign for SCN4A-related condition. Last evaluated: 2023-03-09. Review status: no assertion criteria provided. Collection method: clinical testing. Allele origin: germline. Not counted in ClinVar's aggregate classification.
Comment: This variant is classified as likely benign based on ACMG/AMP sequence variant interpretation guidelines (Richards et al. 2015 PMID: 25741868, with internal and published modifications).